The following is an entry in ClinVar:

NM_001134407.3(GRIN2A):c.1310G>A (p.Arg437Gln)

Gene: GRIN2A (glutamate ionotropic receptor NMDA type subunit 2A; minus strand). Cytogenetic location: 16p13.2.
Variant type: single nucleotide variant.
Coding change: c.1310G>A on transcript NM_001134407.3 (MANE Select); coding-DNA position 1310, G replaced by A.
Protein change: p.Arg437Gln; replaces arginine 437 with glutamine.
Molecular consequence: missense variant.
Genome position (GRCh38, 1-based): chr16:9,849,774, C>T on the plus strand (G>A on the coding strand, the complement: GRIN2A is on the minus strand). VCF-style: chr16-9849774-C-T. GRCh37 (hg19) VCF-style: chr16-9943631-C-T.
Other names: c.1310G>A, p.Arg437Gln (NM_000833.5, NM_001134408.2); c.1310G>A (NM_000833.3); short protein forms R437Q.
Identifiers: ClinVar variation 916020 (VCV000916020.12), dbSNP rs770071260, ClinGen allele CA7896760.

ClinVar aggregate classification (germline): Uncertain significance. Review status: criteria provided, multiple submitters, no conflicts (2 of 4 stars). 3 submissions from 3 submitters: Uncertain significance (2). 1 of the submissions does not count toward it. Last evaluated 2022-01-25.

Conditions:
Landau-Kleffner syndrome (FESD). Also called: APHASIA, ACQUIRED, WITH EPILEPSY; EPILEPSY, FOCAL, WITH SPEECH DISORDER AND WITH OR WITHOUT MENTAL RETARDATION. Identifiers: Orphanet 1945, Orphanet 725, Orphanet 98818, MedGen C0282512, MONDO:0009509, OMIM 245570.

Allele frequency attached by ClinVar (database versions not stated): gnomAD exomes 0.00001; TOPMed 0.00001; gnomAD 0.00001; ExAC 0.00001.
gnomAD v4.1: 9 of 1,613,774 alleles (0.00056%); highest among the groups gnomAD compares: South Asian, 0.0055%; no homozygotes.

Submissions (3):

GeneDx
Classification: Uncertain significance. Last evaluated: 2022-01-25. Review status: criteria provided, single submitter. Criteria: GeneDx Variant Classification Process June 2021. Collection method: clinical testing. Allele origin: germline. Affected: yes.
Comment: In silico analysis supports that this missense variant has a deleterious effect on protein structure/function; Has not been previously published as pathogenic or benign to our knowledge; This variant is associated with the following publications: (PMID: 27839871)

Labcorp Genetics (formerly Invitae), Labcorp
Classification: Uncertain significance for Landau-Kleffner syndrome. Last evaluated: 2020-11-06. Review status: criteria provided, single submitter. Criteria: Invitae Variant Classification Sherloc (09022015). Collection method: clinical testing. Allele origin: germline.
Comment: This variant is present in population databases (rs770071260, ExAC 0.006%). This variant has not been reported in the literature in individuals with GRIN2A-related conditions. ClinVar contains an entry for this variant (Variation ID: 916020). This sequence change replaces arginine with glutamine at codon 437 of the GRIN2A protein (p.Arg437Gln). The arginine residue is highly conserved and there is a small physicochemical difference between arginine and glutamine. Advanced modeling of protein sequence and biophysical properties (such as structural, functional, and spatial information, amino acid conservation, physicochemical variation, residue mobility, and thermodynamic stability) performed at Invitae indicates that this missense variant is not expected to disrupt GRIN2A protein function. In summary, the available evidence is currently insufficient to determine the role of this variant in disease. Therefore, it has been classified as a Variant of Uncertain Significance.

Myelin Disorders Clinic-Children's Medical Center/Medical Genetics Lab-Tarbiat Modares University, Children's Medical Center, Pediatrics Center of Excellence,
Classification: Uncertain significance for Landau-Kleffner syndrome. Review status: no assertion criteria provided. Collection method: clinical testing. Allele origin: inherited. Inheritance: Autosomal dominant inheritance. Affected: yes. Not counted in ClinVar's aggregate classification.